The following is an entry in ClinVar:

ClinVar aggregate classification (germline): Pathogenic (1 of 4 stars; one submission).

Conditions:
Cerebral cavernous malformation (CCM). Also called: Cerebral cavernous malformations; Cavernous Hemangioma of Brain; Cerebral cavernous hemangioma (type); CAVERNOUS ANGIOMA, FAMILIAL; CAVERNOUS ANGIOMATOUS MALFORMATIONS; CEREBRAL CAPILLARY MALFORMATIONS. Identifiers: Orphanet 221061, MedGen C2919945, MONDO:0000820, OMIM 116860, HP:0033522.

Submission:

Labcorp Genetics (formerly Invitae), Labcorp
Classification: Pathogenic for Cerebral cavernous malformation. Last evaluated: 2026-01-02. Review status: criteria provided, single submitter. Criteria: Invitae Variant Classification Sherloc (09022015). Collection method: clinical testing. Allele origin: germline.
Comment: This sequence change creates a premature translational stop signal (p.Asp259Leufs*7) in the KRIT1 gene. It is expected to result in an absent or disrupted protein product. Loss-of-function variants in KRIT1 are known to be pathogenic (PMID: 10508515, 11222804, 12404106, 24689081). This variant is not present in population databases (gnomAD no frequency). This variant has not been reported in the literature in individuals affected with KRIT1-related conditions. Algorithms developed to predict the effect of sequence changes on RNA splicing suggest that this variant may disrupt the consensus splice site. For these reasons, this variant has been classified as Pathogenic.

Literature cited by the submitters: PubMed 10508515; PubMed 11222804; PubMed 12404106; PubMed 24689081.

NM_194454.3(KRIT1):c.775_779del (p.Asp259fs)

Gene: KRIT1 (KRIT1 ankyrin repeat containing; minus strand). Cytogenetic location: 7q21.2.
Variant type: Deletion.
Coding change: c.775_779del on transcript NM_194454.3 (MANE Select); coding-DNA positions 775 to 779, 5 bases deleted (GACTA; older notation c.775_779delGACTA).
Protein change: p.Asp259fs; shifts the reading frame from aspartic acid 259.
Molecular consequence: frameshift variant.
Genome position (GRCh38, 1-based): chr7:92,234,874-92,234,878, TAGTC deleted on the plus strand (GACTA on the coding strand, the reverse complement: KRIT1 is on the minus strand); deleting any 5 consecutive bases within chr7:92,234,874-92,234,879 gives the same sequence; the c. name uses the placement nearest the transcript's 3' end. VCF-style (leftmost placement, unchanged base first): chr7-92234873-GTAGTC-G. GRCh37 (hg19) VCF-style: chr7-91864187-GTAGTC-G.
Other names: c.775_779del, p.Asp259fs (NM_001350694.1, NM_001350695.1, NM_001350696.1 and 29 more transcripts); c.61_65del, p.Asp21fs (NM_001350671.1); short protein forms D259fs, D21fs.
Identifiers: ClinVar variation 4734620 (VCV004734620.1).
Genomic context (GRCh38, chr7:92,234,873, plus strand): 5'-TTCTGTGACACTGCTCATGCTTCTCTGCCATTTTTCCTGTTTAGGTATTTGGATTTTTGA[GTAGTC>G]TGGAGCTCCTAGACCAAAGTATGGATTTATTACCACTTTATCTACCTAGAAAGGGAAAAC-3'